The following is an entry in ClinVar:

NM_178170.3(NEK8):c.122C>T (p.Thr41Ile)

Gene: NEK8 (NIMA related kinase 8; plus strand). Cytogenetic location: 17q11.2.
Variant type: single nucleotide variant.
Coding change: c.122C>T on transcript NM_178170.3 (MANE Select); coding-DNA position 122, C replaced by T.
Protein change: p.Thr41Ile; replaces threonine 41 with isoleucine.
Molecular consequence: missense variant.
Genome position (GRCh38, 1-based): chr17:28,734,057, C>T. VCF-style: chr17-28734057-C-T. GRCh37 (hg19) VCF-style: chr17-27061075-C-T.
Other names: short protein forms T41I.
Identifiers: ClinVar variation 4700008 (VCV004700008.1).
Genomic context (GRCh38, chr17:28,734,057, plus strand): 5'-GCCTGCGAAAGGCTGACCAGAAGCTGGTGATCATCAAGCAGATTCCAGTGGAACAGATGA[C>T]CAAGGAAGAGCGGCAGGCAGCCCAGAATGAGTGCCAGGTCCTCAAGCTGCTCAACCACCC-3'
Protein context (NP_835464.1, residues 31-51): IIKQIPVEQM[Thr41Ile]KEERQAAQNE

ClinVar aggregate classification (germline): Uncertain significance (1 of 4 stars; one submission).

Conditions:
Nephronophthisis 9 (NPHP9). Identifiers: Orphanet 655, MedGen C3151188, MONDO:0013444, OMIM 613824.

gnomAD v4.1: 5 of 1,614,198 alleles (0.00031%); highest among the groups gnomAD compares: South Asian, 0.0044%; no homozygotes.

Submission:

Labcorp Genetics (formerly Invitae), Labcorp
Classification: Uncertain significance for Nephronophthisis 9. Last evaluated: 2025-09-03. Review status: criteria provided, single submitter. Criteria: Invitae Variant Classification Sherloc (09022015). Collection method: clinical testing. Allele origin: germline.
Comment: This sequence change replaces threonine, which is neutral and polar, with isoleucine, which is neutral and non-polar, at codon 41 of the NEK8 protein (p.Thr41Ile). This variant is present in population databases (rs763972758, gnomAD 0.01%). This missense change has been observed in individual(s) with polycystic kidney disease (internal data). An algorithm developed to predict the effect of missense changes on protein structure and function (PolyPhen-2) suggests that this variant is likely to be disruptive. In summary, the available evidence is currently insufficient to determine the role of this variant in disease. Therefore, it has been classified as a Variant of Uncertain Significance.